The following is an entry in ClinVar:

NM_001127898.4(CLCN5):c.1635G>T (p.Gln545His)

Gene: CLCN5 (Cl-/H+ antiporter 5; plus strand). Cytogenetic location: Xp11.23.
Variant type: single nucleotide variant.
Coding change: c.1635G>T on transcript NM_001127898.4 (MANE Select); coding-DNA position 1635, G replaced by T.
Protein change: p.Gln545His; replaces glutamine 545 with histidine.
Molecular consequence: missense variant.
Genome position (GRCh38, 1-based): chrX:50,088,775, G>T. VCF-style: chrX-50088775-G-T. GRCh37 (hg19) VCF-style: chrX-49853432-G-T.
Other names: c.1425G>T, p.Gln475His (NM_000084.5); c.1635G>T, p.Gln545His (NM_001127899.4); c.1485G>T, p.Gln495His (NM_001282163.2); c.1425G>T (NM_000084.2); short protein forms Q475H, Q495H, Q545H.
Identifiers: ClinVar variation 1343765 (VCV001343765.10), dbSNP rs148124447, ClinGen allele CA10413908.
Genomic context (GRCh38, chrX:50,088,775, plus strand): 5'-TATCCCTAGCATGGCTGTTGGTGCTATAGCAGGTCGACTTCTAGGAGTAGGAATGGAACA[G>T]CTGGCTTATTACCACCAGGAATGGACCGTCTTCAATAGCTGGTGTAGTCAGGGAGCTGAT-3'
Protein context (NP_001121370.1, residues 535-555): AGRLLGVGME[Gln545His]LAYYHQEWTV

ClinVar aggregate classification (germline): Conflicting classifications of pathogenicity. Review status: criteria provided, conflicting classifications (1 of 4 stars). 5 submissions from 5 submitters: Uncertain significance (3); Likely benign (1). 1 of the submissions does not count toward it. Last evaluated 2024-03-01.

Conditions:
Hypophosphatemic rickets, X-linked recessive (XLHRR). Identifiers: Orphanet 1652, Orphanet 93622, MedGen C1845168, MONDO:0010358, OMIM 300554.
X-linked recessive nephrolithiasis with renal failure (XRN). Also called: UROLITHIASIS, X-LINKED RECESSIVE, TYPE 1; NEPHROLITHIASIS 1; NEPHROLITHIASIS, X-LINKED RECESSIVE, TYPE 1. Identifiers: Orphanet 1652, Orphanet 93622, MedGen C0403720, MONDO:0010687, OMIM 310468.
Dent disease type 1 (DENT1). Also called: NEPHROLITHIASIS 2; NEPHROLITHIASIS, HYPERCALCIURIC, X-LINKED. Identifiers: Orphanet 1652, Orphanet 93622, MedGen C1848336, MONDO:0010225, OMIM 300009.
Proteinuria, low molecular weight, with hypercalciuria and nephrocalcinosis. Identifiers: Orphanet 1652, Orphanet 93622, MedGen C1839874, MONDO:0010644, OMIM 308990.
CLCN5-related disorder. Also called: CLCN5-related condition.
Inborn genetic diseases. Identifiers: MedGen C0950123, MeSH D030342.

Allele frequency attached by ClinVar (database versions not stated): gnomAD exomes 0.00001 and 0.00003; ExAC 0.00006; gnomAD 0.00010 and 0.00011; TOPMed 0.00017; ESP Exome Variant Server 0.00047.
gnomAD v4.1: 27 of 1,209,796 alleles (0.0022%); highest among the groups gnomAD compares: African/African-American, 0.044%; no homozygotes.

Submissions (5):

Ambry Genetics
Classification: Uncertain significance for Inborn genetic diseases. Last evaluated: 2024-03-01. Review status: criteria provided, single submitter. Criteria: Ambry Variant Classification Scheme 2023. Collection method: clinical testing. Allele origin: germline.

Labcorp Genetics (formerly Invitae), Labcorp
Classification: Likely benign. Last evaluated: 2023-08-30. Review status: criteria provided, single submitter. Criteria: Invitae Variant Classification Sherloc (09022015). Collection method: clinical testing. Allele origin: germline.

Fulgent Genetics
Classification: Uncertain significance for Dent disease type 1; Hypophosphatemic rickets, X-linked recessive; Proteinuria, low molecular weight, with hypercalciuria and nephrocalcinosis; X-linked recessive nephrolithiasis with renal failure. Last evaluated: 2022-03-08. Review status: criteria provided, single submitter. Criteria: ACMG Guidelines, 2015. Collection method: clinical testing. Allele origin: unknown.

Women's Health and Genetics/Laboratory Corporation of America, LabCorp
Classification: Uncertain significance. Last evaluated: 2022-02-18. Review status: criteria provided, single submitter. Criteria: LabCorp Variant Classification Summary - May 2015. Collection method: clinical testing. Allele origin: germline.

PreventionGenetics, part of Exact Sciences
Classification: Likely benign for CLCN5-related condition. Last evaluated: 2022-10-05. Review status: no assertion criteria provided. Collection method: clinical testing. Allele origin: germline. Not counted in ClinVar's aggregate classification.
Comment: This variant is classified as likely benign based on ACMG/AMP sequence variant interpretation guidelines (Richards et al. 2015 PMID: 25741868, with internal and published modifications).